The following is an entry in ClinVar:

NM_001383.6(DPH1):c.114G>A (p.Lys38=)

Gene: DPH1 (diphthamide biosynthesis 1; plus strand). Cytogenetic location: 17p13.3.
Variant type: single nucleotide variant.
Coding change: c.114G>A on transcript NM_001383.6 (MANE Select); coding-DNA position 114, G replaced by A.
Protein change: p.Lys38=; no amino-acid change (lysine 38 retained).
Molecular consequence: synonymous variant. On other transcripts: 5 prime UTR variant (1), non-coding transcript variant (3).
Genome position (GRCh38, 1-based): chr17:2,033,557, G>A. VCF-style: chr17-2033557-G-A. GRCh37 (hg19) VCF-style: chr17-1936851-G-A.
Other names: c.129G>A, p.Lys43= (NM_001346574.1, NM_001346575.1); c.-170G>A (NM_001346576.2).
Identifiers: ClinVar variation 3051893 (VCV003051893.2), dbSNP rs971764185, ClinGen allele CA286875575.

ClinVar aggregate classification (germline): Likely benign (0 of 4 stars; one submission).

Conditions:
DPH1-related disorder. Also called: DPH1-related condition.

Submission:

PreventionGenetics, part of Exact Sciences
Classification: Likely benign for DPH1-related condition. Last evaluated: 2024-01-29. Review status: no assertion criteria provided. Collection method: clinical testing. Allele origin: germline.
Comment: This variant is classified as likely benign based on ACMG/AMP sequence variant interpretation guidelines (Richards et al. 2015 PMID: 25741868, with internal and published modifications).